The following is an entry in ClinVar:

ClinVar aggregate classification (germline): Uncertain significance. Review status: criteria provided, multiple submitters, no conflicts (2 of 4 stars). 2 submissions from 2 submitters: Uncertain significance (2). Last evaluated 2025-12-08.

Conditions:
Wilson disease (WND). Also called: Wilson's disease. Identifiers: Orphanet 905, MedGen C0019202, MONDO:0010200, OMIM 277900. Disease mechanism: loss of function.

Allele frequency attached by ClinVar (database versions not stated): gnomAD exomes below 0.00001; gnomAD 0.00001; 1000 Genomes Project 30x 0.00016.
gnomAD v4.1: 4 of 1,614,202 alleles (0.00025%); highest among the groups gnomAD compares: South Asian, 0.0044%; no homozygotes.

Submissions (2):

Labcorp Genetics (formerly Invitae), Labcorp
Classification: Uncertain significance for Wilson disease. Last evaluated: 2025-12-08. Review status: criteria provided, single submitter. Criteria: Invitae Variant Classification Sherloc (09022015). Collection method: clinical testing. Allele origin: germline.
Comment: This sequence change replaces glutamic acid, which is acidic and polar, with glycine, which is neutral and non-polar, at codon 122 of the ATP7B protein (p.Glu122Gly). This variant is present in population databases (no rsID available, gnomAD 0.003%). This variant has not been reported in the literature in individuals affected with ATP7B-related conditions. ClinVar contains an entry for this variant (Variation ID: 2417826). Invitae Evidence Modeling of protein sequence and biophysical properties (such as structural, functional, and spatial information, amino acid conservation, physicochemical variation, residue mobility, and thermodynamic stability) indicates that this missense variant is not expected to disrupt ATP7B protein function with a negative predictive value of 95%. In summary, the available evidence is currently insufficient to determine the role of this variant in disease. Therefore, it has been classified as a Variant of Uncertain Significance.

Neuberg Centre For Genomic Medicine, NCGM
Classification: Uncertain significance for Wilson disease. Review status: criteria provided, single submitter. Criteria: ACMG Guidelines, 2015. Collection method: clinical testing. Allele origin: germline. Inheritance: Autosomal recessive inheritance. Affected: yes.
Comment: The frameshift c.368_369insTTCGAAGC (p.Ile125LysfsTer31) variant in ATP7B gene has been submitted to the ClinVar database as Pathogenic. This variant has not been reported in literature in individuals affected with Wilson disease, to our knowledge. Another variant [c.365_366delinsTTCGAAGC (p.Glu122GlyfsTer)] has previously been reported in individuals affected with Wilson disease as one of the most common variant in Indian population (Aggarwal et al. 2013), suggesting that this might be a clinically significant residue. The p.Ile125LysfsTer31 variant is reported with an allele frequency of 0.0004% in the gnomAD Exomes database. This variant causes a frameshift starting with codon Isoleucine 125, changes this amino acid to Lysine residue, and creates a premature Stop codon at position 31 of the new reading frame, denoted p.Ile125LysfsTer31. This variant is predicted to cause loss of normal protein function through protein truncation. Loss of function variants in ATP7B gene have been previously reported to be pathogenic (Gromadzka G, et al., 2005). Additional studies will be required to prove the pathogenicity of this variant. For these reasons, this variant has been classified as Likely Pathogenic.

NM_000053.4(ATP7B):c.365A>G (p.Glu122Gly)

Gene: ATP7B (ATPase copper transporting beta; minus strand). Cytogenetic location: 13q14.3.
Variant type: single nucleotide variant.
Coding change: c.365A>G on transcript NM_000053.4 (MANE Select); coding-DNA position 365, A replaced by G.
Protein change: p.Glu122Gly; replaces glutamic acid 122 with glycine.
Molecular consequence: missense variant.
Genome position (GRCh38, 1-based): chr13:51,974,855, T>C on the plus strand (A>G on the coding strand, the complement: ATP7B is on the minus strand). VCF-style: chr13-51974855-T-C. GRCh37 (hg19) VCF-style: chr13-52548991-T-C.
Other names: c.365A>G, p.Glu122Gly (NM_001330578.2, NM_001330579.2, NM_001406513.1 and 30 more transcripts); c.269A>G, p.Glu90Gly (NM_001406517.1, NM_001406518.1, NM_001406530.1 and 4 more transcripts); short protein forms E122G, E90G.
Identifiers: ClinVar variation 2417826 (VCV002417826.6), dbSNP rs1452064392, ClinGen allele CA388044212.